The following is an entry in ClinVar:

NM_002528.7(NTHL1):c.259C>T (p.Gln87Ter)

Gene: NTHL1 (nth like DNA glycosylase 1; minus strand). Cytogenetic location: 16p13.3.
Variant type: single nucleotide variant.
Coding change: c.259C>T on transcript NM_002528.7 (MANE Select); coding-DNA position 259, C replaced by T.
Protein change: p.Gln87Ter; replaces glutamine 87 with a stop codon.
Molecular consequence: nonsense. On other transcripts: intron variant (1).
Genome position (GRCh38, 1-based): chr16:2,046,223, G>A on the plus strand (C>T on the coding strand, the complement: NTHL1 is on the minus strand). VCF-style: chr16-2046223-G-A. GRCh37 (hg19) VCF-style: chr16-2096224-G-A.
Other names: c.259C>T, p.Gln87Ter (LRG_1366t1, NM_001318193.2); c.24+57C>T (NM_001318194.2); c.283C>T (NM_002528.5); short protein forms Q87*.
Identifiers: ClinVar variation 652924 (VCV000652924.10), dbSNP rs201671098, ClinGen allele CA7828335.

ClinVar aggregate classification (germline): Pathogenic. Review status: criteria provided, multiple submitters, no conflicts (2 of 4 stars). 4 submissions from 4 submitters: Pathogenic (4). Last evaluated 2024-08-27.

Conditions:
Familial adenomatous polyposis 3. Also called: NTHL1-Related Adenomatous Polyposis and Colorectal Cancer; NTHL1-associated polyposis; NTHL1-related attenuated familial adenomatous polyposis; NTHL1 Tumor Syndrome. Identifiers: Orphanet 220460, Orphanet 454840, MedGen C4225157, MONDO:0014630, OMIM 616415.
Hereditary cancer-predisposing syndrome. Also called: Tumor predisposition; Neoplastic Syndromes, Hereditary; Hereditary Cancer Syndrome; Hereditary neoplastic syndrome. Identifiers: Orphanet 140162, MedGen C0027672, MeSH D009386, MONDO:0015356.

Allele frequency attached by ClinVar (database versions not stated): gnomAD exomes below 0.00001; ExAC 0.00001; gnomAD 0.00001; 1000 Genomes Project 30x 0.00016; 1000 Genomes Project 0.00020.

Submissions (4):

Myriad Genetics, Inc.
Classification: Pathogenic for Familial adenomatous polyposis 3. Last evaluated: 2024-08-27. Review status: criteria provided, single submitter. Criteria: Myriad Autosomal Dominant, Autosomal Recessive and X-Linked Classification Criteria (2023). Collection method: clinical testing. Allele origin: unknown.
Comment: This variant is considered pathogenic. This variant creates a termination codon and is predicted to result in premature protein truncation.

Molecular Pathology, Peter Maccallum Cancer Centre
Classification: Pathogenic for Familial adenomatous polyposis 3. Last evaluated: 2024-08-05. Review status: criteria provided, single submitter. Criteria: ACMG Guidelines, 2015. Collection method: clinical testing. Allele origin: germline. Inheritance: Autosomal recessive inheritance.

Labcorp Genetics (formerly Invitae), Labcorp
Classification: Pathogenic. Last evaluated: 2024-01-14. Review status: criteria provided, single submitter. Criteria: Invitae Variant Classification Sherloc (09022015). Collection method: clinical testing. Allele origin: germline.
Comment: This sequence change creates a premature translational stop signal (p.Gln95*) in the NTHL1 gene. It is expected to result in an absent or disrupted protein product. Loss-of-function variants in NTHL1 are known to be pathogenic (PMID: 25938944, 26559593). This variant is present in population databases (rs201671098, gnomAD no frequency). This variant has not been reported in the literature in individuals affected with NTHL1-related conditions. ClinVar contains an entry for this variant (Variation ID: 652924). Algorithms developed to predict the effect of sequence changes on RNA splicing suggest that this variant may disrupt the consensus splice site. For these reasons, this variant has been classified as Pathogenic.

Ambry Genetics
Classification: Pathogenic for Hereditary cancer-predisposing syndrome. Last evaluated: 2023-06-29. Review status: criteria provided, single submitter. Criteria: Ambry Variant Classification Scheme 2023. Collection method: clinical testing. Allele origin: germline.
Comment: The p.Q95* pathogenic mutation (also known as c.283C>T), located in coding exon 2 of the NTHL1 gene, results from a C to T substitution at nucleotide position 283. This changes the amino acid from a glutamine to a stop codon within coding exon 2. This variant is considered to be rare based on population cohorts in the Genome Aggregation Database (gnomAD). This alteration is expected to result in loss of function by premature protein truncation or nonsense-mediated mRNA decay. As such, this alteration is interpreted as a disease-causing mutation.

Literature cited by the submitters: PubMed 25938944 (cited by Labcorp Genetics (formerly Invitae), Labcorp); PubMed 26559593 (cited by Labcorp Genetics (formerly Invitae), Labcorp).